The following is an entry in ClinVar:

NM_022168.4(IFIH1):c.452G>A (p.Arg151Gln)

Gene: IFIH1 (interferon induced with helicase C domain 1; minus strand). Cytogenetic location: 2q24.2.
Variant type: single nucleotide variant.
Coding change: c.452G>A on transcript NM_022168.4 (MANE Select); coding-DNA position 452, G replaced by A.
Protein change: p.Arg151Gln; replaces arginine 151 with glutamine.
Molecular consequence: missense variant.
Genome position (GRCh38, 1-based): chr2:162,317,856, C>T on the plus strand (G>A on the coding strand, the complement: IFIH1 is on the minus strand). VCF-style: chr2-162317856-C-T. GRCh37 (hg19) VCF-style: chr2-163174366-C-T.
Other names: short protein forms R151Q.
Identifiers: ClinVar variation 4790840 (VCV004790840.1).

ClinVar aggregate classification (germline): Uncertain significance (1 of 4 stars; one submission).

Conditions:
Aicardi-Goutieres syndrome 7 (AGS7). Identifiers: Orphanet 51, MedGen C3888244, MONDO:0014367, OMIM 615846.
Singleton-Merten syndrome 1 (SGMRT1). Also called: Widened medullary cavities of bone, aortic calcification, abnormal dentition, and muscular weakness; Syndrome of widened medullary cavities of the metacarpals and phalanges, aortic calcification and abnormal dentition. Identifiers: Orphanet 85191, MedGen C4225427, MONDO:0024535, OMIM 182250.

gnomAD v4.1: 13 of 1,567,846 alleles (0.00083%); highest among the groups gnomAD compares: East Asian, 0.025%; no homozygotes.

Submission:

Labcorp Genetics (formerly Invitae), Labcorp
Classification: Uncertain significance for Aicardi-Goutieres syndrome 7; Singleton-Merten syndrome 1. Last evaluated: 2025-12-17. Review status: criteria provided, single submitter. Criteria: Invitae Variant Classification Sherloc (09022015). Collection method: clinical testing. Allele origin: germline.
Comment: This sequence change replaces arginine, which is basic and polar, with glutamine, which is neutral and polar, at codon 151 of the IFIH1 protein (p.Arg151Gln). This variant is present in population databases (rs749829594, gnomAD 0.006%). This variant has not been reported in the literature in individuals affected with IFIH1-related conditions. An algorithm developed to predict the effect of missense changes on protein structure and function (PolyPhen-2) suggests that this variant is likely to be disruptive. In summary, the available evidence is currently insufficient to determine the role of this variant in disease. Therefore, it has been classified as a Variant of Uncertain Significance.